The following is an entry in ClinVar:

NM_152703.5(SAMD9L):c.2551T>C (p.Leu851=)

Gene: SAMD9L (sterile alpha motif domain containing 9 like; minus strand). Cytogenetic location: 7q21.2.
Variant type: single nucleotide variant.
Coding change: c.2551T>C on transcript NM_152703.5 (MANE Select); coding-DNA position 2551, T replaced by C.
Protein change: p.Leu851=; no amino-acid change (leucine 851 retained).
Molecular consequence: synonymous variant.
Genome position (GRCh38, 1-based): chr7:93,133,421, A>G on the plus strand (T>C on the coding strand, the complement: SAMD9L is on the minus strand). VCF-style: chr7-93133421-A-G. GRCh37 (hg19) VCF-style: chr7-92762734-A-G.
Other names: c.2551T>C, p.Leu851= (NM_001303496.3, NM_001303497.3, NM_001303498.3 and 5 more transcripts); c.2551T>C (NM_152703.3, NM_152703.2).
Identifiers: ClinVar variation 1671065 (VCV001671065.11), dbSNP rs777315970, ClinGen allele CA4343567.

ClinVar aggregate classification (germline): Likely benign. Review status: criteria provided, multiple submitters, no conflicts (2 of 4 stars). 3 submissions from 3 submitters: Likely benign (2). 1 of the submissions does not count toward it. Last evaluated 2025-01-14.

Conditions:
Inborn genetic diseases. Identifiers: MedGen C0950123, MeSH D030342.
SAMD9L-related disorder. Also called: SAMD9L-related condition; SAMD9L-related disorders.

Allele frequency attached by ClinVar (database versions not stated): TOPMed below 0.00001; gnomAD 0.00001; gnomAD exomes 0.00001; ExAC 0.00002.

Submissions (3):

Ambry Genetics
Classification: Likely benign for Inborn genetic diseases. Last evaluated: 2025-01-14. Review status: criteria provided, single submitter. Criteria: Ambry Variant Classification Scheme 2023. Collection method: clinical testing. Allele origin: germline.

Labcorp Genetics (formerly Invitae), Labcorp
Classification: Likely benign. Last evaluated: 2024-08-10. Review status: criteria provided, single submitter. Criteria: Invitae Variant Classification Sherloc (09022015). Collection method: clinical testing. Allele origin: germline.

PreventionGenetics, part of Exact Sciences
Classification: Likely benign for SAMD9L-related condition. Last evaluated: 2022-08-08. Review status: no assertion criteria provided. Collection method: clinical testing. Allele origin: germline. Not counted in ClinVar's aggregate classification.
Comment: This variant is classified as likely benign based on ACMG/AMP sequence variant interpretation guidelines (Richards et al. 2015 PMID: 25741868, with internal and published modifications).